The following is an entry in ClinVar:

ClinVar aggregate classification (germline): Uncertain significance (1 of 4 stars; one submission).

Conditions:
Epileptic encephalopathy. Identifiers: MedGen C0543888, HP:0200134.

gnomAD v4.1: 2 of 1,606,052 alleles (0.00012%); highest among the groups gnomAD compares: Non-Finnish European, 0.00017%; no homozygotes.

Submission:

Labcorp Genetics (formerly Invitae), Labcorp
Classification: Uncertain significance for Epileptic encephalopathy. Last evaluated: 2024-02-05. Review status: criteria provided, single submitter. Criteria: Invitae Variant Classification Sherloc (09022015). Collection method: clinical testing. Allele origin: germline.
Comment: This sequence change falls in intron 7 of the FASN gene. It does not directly change the encoded amino acid sequence of the FASN protein. It affects a nucleotide within the consensus splice site. This variant is not present in population databases (gnomAD no frequency). This variant has not been reported in the literature in individuals affected with FASN-related conditions. Variants that disrupt the consensus splice site are a relatively common cause of aberrant splicing (PMID: 17576681, 9536098). Algorithms developed to predict the effect of sequence changes on RNA splicing suggest that this variant is not likely to affect RNA splicing. In summary, the available evidence is currently insufficient to determine the role of this variant in disease. Therefore, it has been classified as a Variant of Uncertain Significance.

Literature cited by the submitters: PubMed 17576681; PubMed 9536098.

NM_004104.5(FASN):c.895-3C>T

Gene: FASN (fatty acid synthase; minus strand). Cytogenetic location: 17q25.3.
Variant type: single nucleotide variant.
Coding change: c.895-3C>T on transcript NM_004104.5 (MANE Select); 3 bases into the intron before coding-DNA position 895, C replaced by T.
Molecular consequence: intron variant.
Genome position (GRCh38, 1-based): chr17:82,092,592, G>A on the plus strand (C>T on the coding strand, the complement: FASN is on the minus strand). VCF-style: chr17-82092592-G-A. GRCh37 (hg19) VCF-style: chr17-80050468-G-A.
Identifiers: ClinVar variation 3689783 (VCV003689783.2).